The following is an entry in ClinVar:

ClinVar aggregate classification (germline): Uncertain significance (1 of 4 stars; one submission).

Allele frequency attached by ClinVar (database versions not stated): gnomAD 0.00001; TOPMed 0.00002; ExAC 0.00003.
gnomAD v4.1: 18 of 1,606,766 alleles (0.0011%); highest among the groups gnomAD compares: Admixed American, 0.0084%; no homozygotes.

Submission:

Labcorp Genetics (formerly Invitae), Labcorp
Classification: Uncertain significance. Last evaluated: 2024-08-12. Review status: criteria provided, single submitter. Criteria: Invitae Variant Classification Sherloc (09022015). Collection method: clinical testing. Allele origin: germline.
Comment: This sequence change replaces valine, which is neutral and non-polar, with isoleucine, which is neutral and non-polar, at codon 982 of the RTTN protein (p.Val982Ile). This variant is present in population databases (rs748817683, gnomAD 0.006%). This variant has not been reported in the literature in individuals affected with RTTN-related conditions. ClinVar contains an entry for this variant (Variation ID: 1920941). Advanced modeling of protein sequence and biophysical properties (such as structural, functional, and spatial information, amino acid conservation, physicochemical variation, residue mobility, and thermodynamic stability) performed at Invitae indicates that this missense variant is not expected to disrupt RTTN protein function with a negative predictive value of 80%. In summary, the available evidence is currently insufficient to determine the role of this variant in disease. Therefore, it has been classified as a Variant of Uncertain Significance.

NM_173630.4(RTTN):c.2944G>A (p.Val982Ile)

Gene: RTTN (rotatin; minus strand). Cytogenetic location: 18q22.2.
Variant type: single nucleotide variant.
Coding change: c.2944G>A on transcript NM_173630.4 (MANE Select); coding-DNA position 2944, G replaced by A.
Protein change: p.Val982Ile; replaces valine 982 with isoleucine.
Molecular consequence: missense variant.
Genome position (GRCh38, 1-based): chr18:70,134,483, C>T on the plus strand (G>A on the coding strand, the complement: RTTN is on the minus strand). VCF-style: chr18-70134483-C-T. GRCh37 (hg19) VCF-style: chr18-67801719-C-T.
Other names: c.208G>A, p.Val70Ile (NM_001318520.2); short protein forms V70I, V982I.
Identifiers: ClinVar variation 1920941 (VCV001920941.3), dbSNP rs748817683, ClinGen allele CA8995710.